The following is an entry in ClinVar:

ClinVar aggregate classification (germline): Uncertain significance (1 of 4 stars; one submission).

Submission:

GeneDx
Classification: Uncertain significance. Last evaluated: 2022-10-12. Review status: criteria provided, single submitter. Criteria: GeneDx Variant Classification Process June 2021. Collection method: clinical testing. Allele origin: germline. Affected: yes.
Comment: Not observed at significant frequency in large population cohorts (gnomAD); In silico analysis supports that this missense variant has a deleterious effect on protein structure/function; Has not been previously published as pathogenic or benign to our knowledge

NM_001792.5(CDH2):c.1808C>T (p.Pro603Leu)

Gene: CDH2 (cadherin 2; minus strand). Cytogenetic location: 18q12.1.
Variant type: single nucleotide variant.
Coding change: c.1808C>T on transcript NM_001792.5 (MANE Select); coding-DNA position 1808, C replaced by T.
Protein change: p.Pro603Leu; replaces proline 603 with leucine.
Molecular consequence: missense variant.
Genome position (GRCh38, 1-based): chr18:27,985,695, G>A on the plus strand (C>T on the coding strand, the complement: CDH2 is on the minus strand). VCF-style: chr18-27985695-G-A. GRCh37 (hg19) VCF-style: chr18-25565659-G-A.
Other names: c.1715C>T, p.Pro572Leu (NM_001308176.2); short protein forms P572L, P603L.
Identifiers: ClinVar variation 2499333 (VCV002499333.1), dbSNP rs2143954288, ClinGen allele CA402107524.